The following is an entry in ClinVar:

NM_002335.4(LRP5):c.303C>A (p.Asn101Lys)

Gene: LRP5 (LDL receptor related protein 5; plus strand). Cytogenetic location: 11q13.2.
Variant type: single nucleotide variant.
Coding change: c.303C>A on transcript NM_002335.4 (MANE Select); coding-DNA position 303, C replaced by A.
Protein change: p.Asn101Lys; replaces asparagine 101 with lysine.
Molecular consequence: missense variant. On other transcripts: 5 prime UTR variant (1).
Genome position (GRCh38, 1-based): chr11:68,348,058, C>A. VCF-style: chr11-68348058-C-A. GRCh37 (hg19) VCF-style: chr11-68115526-C-A.
Other names: c.-1463C>A (NM_001291902.2); short protein forms N101K.
Identifiers: ClinVar variation 3901816 (VCV003901816.1).

ClinVar aggregate classification (germline): Uncertain significance (1 of 4 stars; one submission).

Submission:

GeneDx
Classification: Uncertain significance. Last evaluated: 2024-12-03. Review status: criteria provided, single submitter. Criteria: GeneDx Variant Classification Process June 2021. Collection method: clinical testing. Allele origin: germline. Affected: yes.
Comment: Not observed at significant frequency in large population cohorts (gnomAD); In silico analysis indicates that this missense variant does not alter protein structure/function; Has not been previously published as pathogenic or benign to our knowledge